The following is an entry in ClinVar:

NM_001134363.3(RBM20):c.2141_2145dup (p.Arg716fs)

Gene: RBM20 (RNA binding motif protein 20; plus strand). Cytogenetic location: 10q25.2.
Variant type: Duplication.
Coding change: c.2141_2145dup on transcript NM_001134363.3 (MANE Select); coding-DNA positions 2141 to 2145, 5 bases duplicated (ACCCC; older notation c.2141_2145dupACCCC).
Protein change: p.Arg716fs; shifts the reading frame from arginine 716.
Molecular consequence: frameshift variant.
Genome position (GRCh38, 1-based): chr10:110,812,538-110,812,542, ACCCC duplicated; duplicating any 5 consecutive bases within chr10:110,812,536-110,812,542 gives the same sequence; the c. name uses the placement nearest the transcript's 3' end. VCF-style (leftmost placement, unchanged base first): chr10-110812535-A-ACCACC. GRCh37 (hg19) VCF-style: chr10-112572293-A-ACCACC.
Other names: c.2141_2145dupACCCC (NM_001134363.1); short protein forms R716fs.
Identifiers: ClinVar variation 3431219 (VCV003431219.2).

ClinVar aggregate classification (germline): Conflicting classifications of pathogenicity. Review status: criteria provided, conflicting classifications (1 of 4 stars). 2 submissions from 2 submitters: Pathogenic (1); Uncertain significance (1). Last evaluated 2025-11-21.

Conditions:
Cardiovascular phenotype. Identifiers: MedGen CN230736.
Dilated cardiomyopathy 1DD (CMD1DD). Identifiers: Orphanet 154, MedGen C2750995, MONDO:0013168, OMIM 613172.

Submissions (2):

Labcorp Genetics (formerly Invitae), Labcorp
Classification: Pathogenic for Dilated cardiomyopathy 1DD. Last evaluated: 2025-11-21. Review status: criteria provided, single submitter. Criteria: Invitae Variant Classification Sherloc (09022015). Collection method: clinical testing. Allele origin: germline.
Comment: This sequence change creates a premature translational stop signal (p.Arg716Thrfs*59) in the RBM20 gene. It is expected to result in an absent or disrupted protein product. Loss-of-function variants in RBM20 are known to be pathogenic (PMID: 20590677, 22004663, 38288598, 38510713, 40339755). This variant is not present in population databases (gnomAD no frequency). This variant has not been reported in the literature in individuals affected with RBM20-related conditions. ClinVar contains an entry for this variant (Variation ID: 3431219). For these reasons, this variant has been classified as Pathogenic.

Ambry Genetics
Classification: Uncertain significance for Cardiovascular phenotype. Last evaluated: 2024-10-10. Review status: criteria provided, single submitter. Criteria: Ambry Variant Classification Scheme 2023. Collection method: clinical testing. Allele origin: germline.
Comment: The c.2141_2145dupACCCC variant, located in coding exon 9 of the RBM20 gene, results from a duplication of ACCCC at nucleotide position 2141, causing a translational frameshift with a predicted alternate stop codon (p.R716Tfs*59). This alteration is expected to result in protein truncation or nonsense-mediated mRNA decay. However, loss of function of RBM20 has not been established as a mechanism of disease. Based on the available evidence, the clinical significance of this alteration remains unclear.

Literature cited by the submitters: PubMed 20590677 (cited by Labcorp Genetics (formerly Invitae), Labcorp); PubMed 22004663 (cited by Labcorp Genetics (formerly Invitae), Labcorp); PubMed 38288598 (cited by Labcorp Genetics (formerly Invitae), Labcorp); PubMed 38510713 (cited by Labcorp Genetics (formerly Invitae), Labcorp); PubMed 40339755 (cited by Labcorp Genetics (formerly Invitae), Labcorp).